The following is an entry in ClinVar:

ClinVar aggregate classification (germline): Uncertain significance. Review status: criteria provided, multiple submitters, no conflicts (2 of 4 stars). 4 submissions from 4 submitters: Uncertain significance (4). Last evaluated 2025-12-21.

Conditions:
Charcot-Marie-Tooth disease type 2. Also called: Charcot-Marie-Tooth type 2. Identifiers: Orphanet 64746, MedGen C0270914, MONDO:0018993.
Cardiomyopathy (CMYO). Also called: Cardiomyopathies. Identifiers: Orphanet 167848, MedGen C0878544, MONDO:0004994, HP:0001638. Inheritance: Various modes of inheritance.
Charcot-Marie-Tooth disease. Also called: Charcot-Marie-Tooth Hereditary Neuropathy; Charcot-Marie-Tooth Neuropathy. Identifiers: Orphanet 166, MedGen C0007959, MONDO:0015626.

Allele frequency attached by ClinVar (database versions not stated): 1000 Genomes Project 0.00020; gnomAD exomes below 0.00001; gnomAD 0.00001; 1000 Genomes Project 30x 0.00016.

Submissions (4):

Labcorp Genetics (formerly Invitae), Labcorp
Classification: Uncertain significance for Charcot-Marie-Tooth disease type 2. Last evaluated: 2025-12-21. Review status: criteria provided, single submitter. Criteria: Invitae Variant Classification Sherloc (09022015). Collection method: clinical testing. Allele origin: germline.
Comment: This sequence change replaces valine, which is neutral and non-polar, with methionine, which is neutral and non-polar, at codon 547 of the LMNA protein (p.Val547Met). This variant is not present in population databases (gnomAD no frequency). This variant has not been reported in the literature in individuals affected with LMNA-related conditions. ClinVar contains an entry for this variant (Variation ID: 916765). Invitae Evidence Modeling of protein sequence and biophysical properties (such as structural, functional, and spatial information, amino acid conservation, physicochemical variation, residue mobility, and thermodynamic stability) indicates that this missense variant is expected to disrupt LMNA protein function with a positive predictive value of 80%. In summary, the available evidence is currently insufficient to determine the role of this variant in disease. Therefore, it has been classified as a Variant of Uncertain Significance.

GeneDx
Classification: Uncertain significance. Last evaluated: 2023-01-30. Review status: criteria provided, single submitter. Criteria: GeneDx Variant Classification Process June 2021. Collection method: clinical testing. Allele origin: germline. Affected: yes.
Comment: Not observed at significant frequency in large population cohorts (gnomAD); In silico analysis supports that this missense variant does not alter protein structure/function; Has not been previously published as pathogenic or benign to our knowledge; This variant is associated with the following publications: (PMID: 10939567)

Color Diagnostics, LLC DBA Color Health
Classification: Uncertain significance for Cardiomyopathy. Last evaluated: 2021-07-27. Review status: criteria provided, single submitter. Criteria: ACMG Guidelines, 2015. Collection method: clinical testing. Allele origin: germline.
Comment: This missense variant replaces valine with methionine at codon 547 of the LMNA protein. Computational prediction is inconclusive regarding the impact of this variant on protein structure and function (internally defined REVEL score threshold 0.5 < inconclusive < 0.7, PMID: 27666373). To our knowledge, functional studies have not been reported for this variant. This variant has not been reported in individuals affected with cardiovascular disorders in the literature. This variant has not been identified in the general population by the Genome Aggregation Database (gnomAD). The available evidence is insufficient to determine the role of this variant in disease conclusively. Therefore, this variant is classified as a Variant of Uncertain Significance.

Molecular Genetics Laboratory, London Health Sciences Centre
Classification: Uncertain significance for Charcot-Marie-Tooth disease. Review status: criteria provided, single submitter. Criteria: ACMG Guidelines, 2015. Collection method: clinical testing. Allele origin: germline. Affected: yes.

NM_170707.4(LMNA):c.1639G>A (p.Val547Met)

Gene: LMNA (lamin A/C; plus strand). Cytogenetic location: 1q22.
Variant type: single nucleotide variant.
Coding change: c.1639G>A on transcript NM_170707.4 (MANE Select); coding-DNA position 1639, G replaced by A.
Protein change: p.Val547Met; replaces valine 547 with methionine.
Molecular consequence: missense variant. On other transcripts: intron variant (1).
Genome position (GRCh38, 1-based): chr1:156,137,684, G>A. VCF-style: chr1-156137684-G-A. GRCh37 (hg19) VCF-style: chr1-156107475-G-A.
Other names: c.1303G>A, p.Val435Met (NM_001257374.3); c.1396G>A, p.Val466Met (NM_001282624.2); c.1639G>A, p.Val547Met (NM_001282625.2, NM_001282626.2, NM_005572.4); c.1608+452G>A (NM_170708.4); short protein forms V435M, V466M, V547M.
Identifiers: ClinVar variation 916765 (VCV000916765.5), dbSNP rs201947393, ClinGen allele CA31014759.